The following is an entry in ClinVar:

NM_001355436.2(SPTB):c.166C>G (p.Gln56Glu)

Gene: SPTB (spectrin beta, erythrocytic; minus strand). Cytogenetic location: 14q23.3.
Variant type: single nucleotide variant.
Coding change: c.166C>G on transcript NM_001355436.2 (MANE Select); coding-DNA position 166, C replaced by G.
Protein change: p.Gln56Glu; replaces glutamine 56 with glutamic acid.
Molecular consequence: missense variant.
Genome position (GRCh38, 1-based): chr14:64,805,073, G>C on the plus strand (C>G on the coding strand, the complement: SPTB is on the minus strand). VCF-style: chr14-64805073-G-C. GRCh37 (hg19) VCF-style: chr14-65271791-G-C.
Other names: c.166C>G, p.Gln56Glu (NM_001024858.4, NM_001355437.2); short protein forms Q56E.
Identifiers: ClinVar variation 2632643 (VCV002632643.2), dbSNP rs2503227588, ClinGen allele CA390036198.
Genomic context (GRCh38, chr14:64,805,073, plus strand): 5'-TGATGCGGCAGGACACTCGAGCCAGGTGCGAGTTCACCCATTTCGTGAAGGTCTTTTTCT[G>C]AACAACTTCCCGCTCATCTAGGTGGAGAGAAGAACCTTGGTGAGGTGCCTGAGGTTGGCA-3'
Protein context (NP_001342365.1, residues 46-66): KALADEREVV[Gln56Glu]KKTFTKWVNS

ClinVar aggregate classification (germline): Uncertain significance (0 of 4 stars; one submission).

Conditions:
SPTB-related disorder. Also called: SPTB-related condition; SPTB-Related Disorders.

Submission:

PreventionGenetics, part of Exact Sciences
Classification: Uncertain significance for SPTB-related condition. Last evaluated: 2024-08-19. Review status: no assertion criteria provided. Collection method: clinical testing. Allele origin: germline.
Comment: The SPTB c.166C>G variant is predicted to result in the amino acid substitution p.Gln56Glu. To our knowledge, this variant has not been reported in the literature or in a large population database, indicating this variant is rare. Of note, a different variant impacting the same amino acid (p.Gln56Arg) has been reported in a patient with congenital hemolytic anemia (Case 1 in Del Orbe Barreto et al. 2016. PubMed ID: 27427187). At this time, the clinical significance of the c.166C>G (p.Gln56Glu) variant is uncertain due to the absence of conclusive functional and genetic evidence.